The following is an entry in ClinVar:

NM_000528.4(MAN2B1):c.2267+1G>A

Gene: MAN2B1 (mannosidase alpha class 2B member 1; minus strand). Cytogenetic location: 19p13.13.
Variant type: single nucleotide variant.
Coding change: c.2267+1G>A on transcript NM_000528.4 (MANE Select); the canonical splice donor site of the intron after coding-DNA position 2267, G replaced by A.
Molecular consequence: splice donor variant.
Genome position (GRCh38, 1-based): chr19:12,649,912, C>T on the plus strand (G>A on the coding strand, the complement: MAN2B1 is on the minus strand). VCF-style: chr19-12649912-C-T. GRCh37 (hg19) VCF-style: chr19-12760726-C-T.
Other names: c.2264+1G>A (NM_001173498.2).
Identifiers: ClinVar variation 1476281 (VCV001476281.8), dbSNP rs1022927322, ClinGen allele CA305462644.

ClinVar aggregate classification (germline): Likely pathogenic. Review status: criteria provided, multiple submitters, no conflicts (2 of 4 stars). 3 submissions from 3 submitters: Likely pathogenic (3). Last evaluated 2023-11-24.

Conditions:
MAN2B1-related disorder. Also called: MAN2B1-related condition.
Deficiency of alpha-mannosidase (MANSA). Also called: Mannosidosis, alpha-, types I and II; LYSOSOMAL ALPHA-D-MANNOSIDASE DEFICIENCY; Alpha-Mannosidosis. Identifiers: Orphanet 61, MedGen C0024748, MONDO:0009561, OMIM 248500.

Allele frequency attached by ClinVar (database versions not stated): gnomAD exomes below 0.00001; gnomAD 0.00001.
gnomAD v4.1: 5 of 1,612,604 alleles (0.00031%); highest among the groups gnomAD compares: Non-Finnish European, 0.00034%; no homozygotes.

Submissions (3):

Labcorp Genetics (formerly Invitae), Labcorp
Classification: Likely pathogenic for Deficiency of alpha-mannosidase. Last evaluated: 2023-11-24. Review status: criteria provided, single submitter. Criteria: Invitae Variant Classification Sherloc (09022015). Collection method: clinical testing. Allele origin: germline.
Comment: This sequence change affects a donor splice site in intron 18 of the MAN2B1 gene. It is expected to disrupt RNA splicing. Variants that disrupt the donor or acceptor splice site typically lead to a loss of protein function (PMID: 16199547), and loss-of-function variants in MAN2B1 are known to be pathogenic (PMID: 9915946, 22161967). This variant is not present in population databases (gnomAD no frequency). This variant has not been reported in the literature in individuals affected with MAN2B1-related conditions. ClinVar contains an entry for this variant (Variation ID: 1476281). Algorithms developed to predict the effect of sequence changes on RNA splicing suggest that this variant may disrupt the consensus splice site. In summary, the currently available evidence indicates that the variant is pathogenic, but additional data are needed to prove that conclusively. Therefore, this variant has been classified as Likely Pathogenic.

Baylor Genetics
Classification: Likely pathogenic for Deficiency of alpha-mannosidase. Last evaluated: 2023-02-13. Review status: criteria provided, single submitter. Criteria: ACMG Guidelines, 2015. Collection method: clinical testing. Allele origin: unknown.

Blueprint Genetics
Classification: Likely pathogenic for MAN2B1-related disorders. Last evaluated: 2022-08-23. Review status: criteria provided, single submitter. Criteria: ACMG Guidelines, 2015. Collection method: clinical testing. Allele origin: germline. Affected: yes. Observed: 3 variant alleles.

Literature cited by the submitters: PubMed 16199547 (cited by Labcorp Genetics (formerly Invitae), Labcorp); PubMed 9915946 (cited by Labcorp Genetics (formerly Invitae), Labcorp); PubMed 22161967 (cited by Labcorp Genetics (formerly Invitae), Labcorp).